The following is an entry in ClinVar:

ClinVar aggregate classification (germline): Uncertain significance (1 of 4 stars; one submission).

Conditions:
Developmental and epileptic encephalopathy, 21 (DEE21). Also called: Early infantile epileptic encephalopathy 21. Identifiers: Orphanet 442835, MedGen C4014430, MONDO:0014360, OMIM 615833.

Allele frequency attached by ClinVar (database versions not stated): gnomAD exomes below 0.00001.
gnomAD v4.1: 1 of 1,613,878 alleles (0.000062%); highest among the groups gnomAD compares: South Asian, 0.0011%; no homozygotes.

Submission:

Labcorp Genetics (formerly Invitae), Labcorp
Classification: Uncertain significance for Developmental and epileptic encephalopathy, 21. Last evaluated: 2020-11-13. Review status: criteria provided, single submitter. Criteria: Invitae Variant Classification Sherloc (09022015). Collection method: clinical testing. Allele origin: germline.
Comment: In summary, the available evidence is currently insufficient to determine the role of this variant in disease. Therefore, it has been classified as a Variant of Uncertain Significance. Algorithms developed to predict the effect of missense changes on protein structure and function are either unavailable or do not agree on the potential impact of this missense change (SIFT: "Not Available"; PolyPhen-2: "Benign"; Align-GVGD: "Not Available"). This variant has not been reported in the literature in individuals with NECAP1-related conditions. This variant is not present in population databases (ExAC no frequency). This sequence change replaces glutamine with arginine at codon 141 of the NECAP1 protein (p.Gln141Arg). The glutamine residue is highly conserved and there is a small physicochemical difference between glutamine and arginine.

NM_015509.4(NECAP1):c.422A>G (p.Gln141Arg)

Gene: NECAP1 (NECAP endocytosis associated 1; plus strand). Cytogenetic location: 12p13.31.
Variant type: single nucleotide variant.
Coding change: c.422A>G on transcript NM_015509.4 (MANE Select); coding-DNA position 422, A replaced by G.
Protein change: p.Gln141Arg; replaces glutamine 141 with arginine.
Molecular consequence: missense variant. On other transcripts: non-coding transcript variant (1).
Genome position (GRCh38, 1-based): chr12:8,092,714, A>G. VCF-style: chr12-8092714-A-G. GRCh37 (hg19) VCF-style: chr12-8245310-A-G.
Other names: short protein forms Q141R.
Identifiers: ClinVar variation 1484089 (VCV001484089.6), dbSNP rs2120485560, ClinGen allele CA383799371.